The following is an entry in ClinVar:

NM_005534.4(IFNGR2):c.940G>A (p.Asp314Asn)

Genes: IFNGR2 (interferon gamma receptor 2; plus strand), TMEM50B (transmembrane protein 50B; minus strand). Cytogenetic location: 21q22.11.
Variant type: single nucleotide variant.
Coding change: c.940G>A on transcript NM_005534.4 (MANE Select); coding-DNA position 940, G replaced by A.
Protein change: p.Asp314Asn; replaces aspartic acid 314 with asparagine.
Molecular consequence: missense variant.
Genome position (GRCh38, 1-based): chr21:33,436,888, G>A. VCF-style: chr21-33436888-G-A. GRCh37 (hg19) VCF-style: chr21-34809195-G-A.
Other names: c.997G>A, p.Asp333Asn (NM_001329128.2); short protein forms D314N, D333N.
Identifiers: ClinVar variation 582786 (VCV000582786.7), dbSNP rs369529404, ClinGen allele CA10007075.
Genomic context (GRCh38, chr21:33,436,888, plus strand): 5'-TATTTAAAAGACCCAACTCAGCCCATCTTAGAGGCCTTGGACAAGGACAGCTCACCAAAG[G>A]ATGACGTCTGGGACTCTGTGTCCATTATCTCGTTTCCGGAAAAGGAGCAAGAAGATGTTC-3'
Protein context (NP_005525.2, residues 304-324): EALDKDSSPK[Asp314Asn]DVWDSVSIIS

ClinVar aggregate classification (germline): Uncertain significance. Review status: criteria provided, multiple submitters, no conflicts (2 of 4 stars). 2 submissions from 2 submitters: Uncertain significance (2). Last evaluated 2024-10-24.

Conditions:
Immunodeficiency 28 (IMD28). Also called: IFNGR2 DEFICIENCY. Identifiers: Orphanet 319547, Orphanet 319574, MedGen C4013947, MONDO:0013953, OMIM 614889.

Allele frequency attached by ClinVar (database versions not stated): gnomAD exomes 0.00003 and 0.00007; ExAC 0.00004; gnomAD 0.00012 and 0.00011; ESP Exome Variant Server 0.00008; TOPMed 0.00009.
gnomAD v4.1: 119 of 1,613,756 alleles (0.0074%); highest among the groups gnomAD compares: Non-Finnish European, 0.0094%; no homozygotes.

Submissions (2):

Labcorp Genetics (formerly Invitae), Labcorp
Classification: Uncertain significance for Immunodeficiency 28. Last evaluated: 2024-10-24. Review status: criteria provided, single submitter. Criteria: Invitae Variant Classification Sherloc (09022015). Collection method: clinical testing. Allele origin: germline.
Comment: This sequence change replaces aspartic acid, which is acidic and polar, with asparagine, which is neutral and polar, at codon 314 of the IFNGR2 protein (p.Asp314Asn). This variant is present in population databases (rs369529404, gnomAD 0.006%). This variant has not been reported in the literature in individuals affected with IFNGR2-related conditions. ClinVar contains an entry for this variant (Variation ID: 582786). An algorithm developed to predict the effect of missense changes on protein structure and function (PolyPhen-2) suggests that this variant is likely to be disruptive. In summary, the available evidence is currently insufficient to determine the role of this variant in disease. Therefore, it has been classified as a Variant of Uncertain Significance.

Fulgent Genetics
Classification: Uncertain significance for Immunodeficiency 28. Last evaluated: 2024-01-19. Review status: criteria provided, single submitter. Criteria: ACMG Guidelines, 2015. Collection method: clinical testing. Allele origin: germline.